The following is an entry in ClinVar:

NM_001261826.3(AP3D1):c.3190G>T (p.Ala1064Ser)

Gene: AP3D1 (adaptor related protein complex 3 subunit delta 1; minus strand). Cytogenetic location: 19p13.3.
Variant type: single nucleotide variant.
Coding change: c.3190G>T on transcript NM_001261826.3 (MANE Select); coding-DNA position 3190, G replaced by T.
Protein change: p.Ala1064Ser; replaces alanine 1064 with serine.
Molecular consequence: missense variant.
Genome position (GRCh38, 1-based): chr19:2,110,210, C>A on the plus strand (G>T on the coding strand, the complement: AP3D1 is on the minus strand). VCF-style: chr19-2110210-C-A. GRCh37 (hg19) VCF-style: chr19-2110209-C-A.
Other names: c.3154G>T, p.Ala1052Ser (NM_001374799.1); c.3004G>T, p.Ala1002Ser (NM_003938.8); short protein forms A1002S, A1052S, A1064S.
Identifiers: ClinVar variation 3695354 (VCV003695354.2).

ClinVar aggregate classification (germline): Uncertain significance (1 of 4 stars; one submission).

gnomAD v4.1: 2 of 1,612,244 alleles (0.00012%); highest among the groups gnomAD compares: Admixed American, 0.0017%; no homozygotes.

Submission:

Labcorp Genetics (formerly Invitae), Labcorp
Classification: Uncertain significance. Last evaluated: 2024-06-03. Review status: criteria provided, single submitter. Criteria: Invitae Variant Classification Sherloc (09022015). Collection method: clinical testing. Allele origin: germline.
Comment: This sequence change replaces alanine, which is neutral and non-polar, with serine, which is neutral and polar, at codon 1064 of the AP3D1 protein (p.Ala1064Ser). This variant is present in population databases (rs747614717, gnomAD 0.0009%). This variant has not been reported in the literature in individuals affected with AP3D1-related conditions. An algorithm developed to predict the effect of missense changes on protein structure and function (PolyPhen-2) suggests that this variant is likely to be tolerated. In summary, the available evidence is currently insufficient to determine the role of this variant in disease. Therefore, it has been classified as a Variant of Uncertain Significance.